The following is an entry in ClinVar:

NM_000548.5(TSC2):c.4840A>G (p.Ile1614Val)

Gene: TSC2 (TSC complex subunit 2; plus strand). Cytogenetic location: 16p13.3.
Variant type: single nucleotide variant.
Coding change: c.4840A>G on transcript NM_000548.5 (MANE Select); coding-DNA position 4840, A replaced by G.
Protein change: p.Ile1614Val; replaces isoleucine 1614 with valine.
Molecular consequence: missense variant.
Genome position (GRCh38, 1-based): chr16:2,086,370, A>G. VCF-style: chr16-2086370-A-G. GRCh37 (hg19) VCF-style: chr16-2136371-A-G.
Other names: c.4708A>G, p.Ile1570Val (NM_001370404.1); c.4711A>G, p.Ile1571Val (NM_001370405.1, NM_021055.3); c.4837A>G, p.Ile1613Val (NM_001406663.1); c.4768A>G, p.Ile1590Val (NM_001406664.1); c.4762A>G, p.Ile1588Val (NM_001406665.1); c.4732A>G, p.Ile1578Val (NM_001406667.1); c.4729A>G, p.Ile1577Val (NM_001406668.1); c.4660A>G, p.Ile1554Val (NM_001406670.1); and 26 more; short protein forms I1099V, I1348V, I1390V, I1394V, I1511V, I1528V, I1542V, I1547V.
Identifiers: ClinVar variation 2089496 (VCV002089496.4), dbSNP rs1555516299, ClinGen allele CA394308141.

ClinVar aggregate classification (germline): Uncertain significance (1 of 4 stars; one submission).

Conditions:
Tuberous sclerosis 2 (TSC2). Identifiers: Orphanet 805, MedGen C1860707, MONDO:0013199, OMIM 613254.

Submission:

Labcorp Genetics (formerly Invitae), Labcorp
Classification: Uncertain significance for Tuberous sclerosis 2. Last evaluated: 2022-01-26. Review status: criteria provided, single submitter. Criteria: Invitae Variant Classification Sherloc (09022015). Collection method: clinical testing. Allele origin: germline.
Comment: This sequence change replaces isoleucine, which is neutral and non-polar, with valine, which is neutral and non-polar, at codon 1614 of the TSC2 protein (p.Ile1614Val). This variant is not present in population databases (gnomAD no frequency). This variant has not been reported in the literature in individuals affected with TSC2-related conditions. Advanced modeling of protein sequence and biophysical properties (such as structural, functional, and spatial information, amino acid conservation, physicochemical variation, residue mobility, and thermodynamic stability) performed at Invitae indicates that this missense variant is not expected to disrupt TSC2 protein function. In summary, the available evidence is currently insufficient to determine the role of this variant in disease. Therefore, it has been classified as a Variant of Uncertain Significance.